The following is an entry in ClinVar:

NM_001035.3(RYR2):c.774-296C>T

Gene: RYR2 (ryanodine receptor 2; plus strand). Cytogenetic location: 1q43.
Variant type: single nucleotide variant.
Coding change: c.774-296C>T on transcript NM_001035.3 (MANE Select); 296 bases into the intron before coding-DNA position 774, C replaced by T.
Molecular consequence: intron variant.
Genome position (GRCh38, 1-based): chr1:237,416,753, C>T. VCF-style: chr1-237416753-C-T. GRCh37 (hg19) VCF-style: chr1-237580053-C-T.
Identifiers: ClinVar variation 673515 (VCV000673515.1), dbSNP rs867843699, ClinGen allele CA39785911.

ClinVar aggregate classification (germline): Likely benign (1 of 4 stars; one submission).

Allele frequency attached by ClinVar (database versions not stated): gnomAD 0.02309 and 0.02484.
gnomAD v4.1: 1,934 of 85,082 alleles (2.3%); highest among the groups gnomAD compares: African/African-American, 10%; 51 homozygotes.

Submission:

GeneDx
Classification: Likely benign. Last evaluated: 2018-06-16. Review status: criteria provided, single submitter. Criteria: GeneDx Variant Classification (06012015). Collection method: clinical testing. Allele origin: germline. Affected: yes.
Comment: This variant is considered likely benign or benign based on one or more of the following criteria: it is a conservative change, it occurs at a poorly conserved position in the protein, it is predicted to be benign by multiple in silico algorithms, and/or has population frequency not consistent with disease.